The following is an entry in ClinVar:

NM_000222.3(KIT):c.2642A>G (p.Lys881Arg)

Gene: KIT (KIT proto-oncogene, receptor tyrosine kinase; plus strand). Cytogenetic location: 4q12.
Variant type: single nucleotide variant.
Coding change: c.2642A>G on transcript NM_000222.3 (MANE Select); coding-DNA position 2642, A replaced by G.
Protein change: p.Lys881Arg; replaces lysine 881 with arginine.
Molecular consequence: missense variant.
Genome position (GRCh38, 1-based): chr4:54,736,766, A>G. VCF-style: chr4-54736766-A-G. GRCh37 (hg19) VCF-style: chr4-55602932-A-G.
Other names: c.2630A>G, p.Lys877Arg (NM_001093772.2, NM_001385292.1); c.2645A>G, p.Lys882Arg (NM_001385284.1); c.2639A>G, p.Lys880Arg (NM_001385285.1); c.2627A>G, p.Lys876Arg (NM_001385286.1); c.2633A>G, p.Lys878Arg (NM_001385288.1); c.2642A>G, p.Lys881Arg (NM_001385290.1); short protein forms K881R, K877R, K876R, K878R, K880R, K882R.
Identifiers: ClinVar variation 948882 (VCV000948882.13), dbSNP rs1244026726, ClinGen allele CA356913858.

ClinVar aggregate classification (germline): Uncertain significance. Review status: criteria provided, multiple submitters, no conflicts (2 of 4 stars). 4 submissions from 4 submitters: Uncertain significance (4). Last evaluated 2026-08-26.

Conditions:
Hereditary cancer-predisposing syndrome. Also called: Neoplastic Syndromes, Hereditary; Hereditary Cancer Syndrome; Tumor predisposition; Hereditary neoplastic syndrome. Identifiers: Orphanet 140162, MedGen C0027672, MeSH D009386, MONDO:0015356.
Gastrointestinal stromal tumor. Also called: Gastrointestinal stromal tumor, somatic; Gastrointestinal stroma tumor. Identifiers: Orphanet 44890, MedGen C0238198, MeSH D046152, MONDO:0011719, OMIM 606764, HP:0100723.
KIT-related disorder. Also called: KIT-related condition.

Allele frequency attached by ClinVar (database versions not stated): gnomAD 0.00001; gnomAD exomes 0.00001; TOPMed 0.00002.
gnomAD v4.1: 9 of 1,614,056 alleles (0.00056%); highest among the groups gnomAD compares: Admixed American, 0.01%; no homozygotes.

Submissions (4):

PreventionGenetics, part of Exact Sciences
Classification: Uncertain significance for KIT-related condition. Last evaluated: 2026-08-26. Review status: criteria provided, single submitter. Criteria: ACMG Guidelines, 2015. Collection method: clinical testing. Allele origin: germline.
Comment: The KIT c.2642A>G variant is predicted to result in the amino acid substitution p.Lys881Arg. To our knowledge, this variant has not been reported in the literature. This variant is reported in 0.0058% of alleles in individuals of Latino descent in gnomAD and is interpreted as uncertain in ClinVar (Variation ID: 948882). At this time, the clinical significance of this variant is uncertain due to the absence of conclusive functional and genetic evidence.

Labcorp Genetics (formerly Invitae), Labcorp
Classification: Uncertain significance for Gastrointestinal stromal tumor. Last evaluated: 2025-02-06. Review status: criteria provided, single submitter. Criteria: Invitae Variant Classification Sherloc (09022015). Collection method: clinical testing. Allele origin: germline.
Comment: This sequence change replaces lysine, which is basic and polar, with arginine, which is basic and polar, at codon 881 of the KIT protein (p.Lys881Arg). This variant is present in population databases (no rsID available, gnomAD 0.006%). This variant has not been reported in the literature in individuals affected with KIT-related conditions. ClinVar contains an entry for this variant (Variation ID: 948882). An algorithm developed to predict the effect of missense changes on protein structure and function (PolyPhen-2) suggests that this variant is likely to be tolerated. In summary, the available evidence is currently insufficient to determine the role of this variant in disease. Therefore, it has been classified as a Variant of Uncertain Significance.

Ambry Genetics
Classification: Uncertain significance for Hereditary cancer-predisposing syndrome. Last evaluated: 2025-02-05. Review status: criteria provided, single submitter. Criteria: Ambry Variant Classification Scheme 2023. Collection method: clinical testing. Allele origin: germline.
Comment: The p.K881R variant (also known as c.2642A>G), located in coding exon 19 of the KIT gene, results from an A to G substitution at nucleotide position 2642. The lysine at codon 881 is replaced by arginine, an amino acid with highly similar properties. This amino acid position is well conserved in available vertebrate species. In addition, this alteration is predicted to be tolerated by in silico analysis. Based on the available evidence, the clinical significance of this variant remains unclear.

Baylor Genetics
Classification: Uncertain significance for Gastrointestinal stromal tumor. Last evaluated: 2024-03-05. Review status: criteria provided, single submitter. Criteria: ACMG Guidelines, 2015. Collection method: clinical testing. Allele origin: unknown.